The following is an entry in ClinVar:

NM_004260.4(RECQL4):c.1427T>C (p.Leu476Pro)

Gene: RECQL4 (RecQ like helicase 4; minus strand). Cytogenetic location: 8q24.3.
Variant type: single nucleotide variant.
Coding change: c.1427T>C on transcript NM_004260.4 (MANE Select); coding-DNA position 1427, T replaced by C.
Protein change: p.Leu476Pro; replaces leucine 476 with proline.
Molecular consequence: missense variant. On other transcripts: 5 prime UTR variant (1), non-coding transcript variant (3).
Genome position (GRCh38, 1-based): chr8:144,515,206, A>G on the plus strand (T>C on the coding strand, the complement: RECQL4 is on the minus strand). VCF-style: chr8-144515206-A-G. GRCh37 (hg19) VCF-style: chr8-145740590-A-G.
Other names: c.1331T>C, p.Leu444Pro (NM_001413017.1, NM_001413020.1); c.1427T>C, p.Leu476Pro (NM_001413018.1, NM_001413019.1, NM_001413033.1 and 2 more transcripts); c.356T>C, p.Leu119Pro (NM_001413021.1, NM_001413022.1, NM_001413023.1 and 8 more transcripts); c.1298T>C, p.Leu433Pro (NM_001413025.1); c.290T>C, p.Leu97Pro (NM_001413027.1, NM_001413030.1, NM_001413031.1 and 2 more transcripts); c.1076T>C, p.Leu359Pro (NM_001413029.1); c.-41T>C (NM_001413043.1); short protein forms L359P, L444P, L476P, L119P, L433P, L97P.
Identifiers: ClinVar variation 3944238 (VCV003944238.1).

ClinVar aggregate classification (germline): Uncertain significance (1 of 4 stars; one submission).

Conditions:
Inborn genetic diseases. Identifiers: MedGen C0950123, MeSH D030342.

Submission:

Ambry Genetics
Classification: Uncertain significance for Inborn genetic diseases. Last evaluated: 2025-03-17. Review status: criteria provided, single submitter. Criteria: Ambry Variant Classification Scheme 2023. Collection method: clinical testing. Allele origin: germline.
Comment: The p.L476P variant (also known as c.1427T>C), located in coding exon 8 of the RECQL4 gene, results from a T to C substitution at nucleotide position 1427. The leucine at codon 476 is replaced by proline, an amino acid with similar properties. This amino acid position is conserved. In addition, this alteration is predicted to be deleterious by in silico analysis. Based on the available evidence, the clinical significance of this variant remains unclear.